The following is an entry in ClinVar:

NM_001365088.1(SLC12A6):c.1043T>C (p.Leu348Pro)

Gene: SLC12A6 (solute carrier family 12 member 6; minus strand). Cytogenetic location: 15q14.
Variant type: single nucleotide variant.
Coding change: c.1043T>C on transcript NM_001365088.1 (MANE Select); coding-DNA position 1043, T replaced by C.
Protein change: p.Leu348Pro; replaces leucine 348 with proline.
Molecular consequence: missense variant.
Genome position (GRCh38, 1-based): chr15:34,254,423, A>G on the plus strand (T>C on the coding strand, the complement: SLC12A6 is on the minus strand). VCF-style: chr15-34254423-A-G. GRCh37 (hg19) VCF-style: chr15-34546624-A-G.
Other names: c.866T>C, p.Leu289Pro (NM_001042494.2, NM_001042495.2); c.1016T>C, p.Leu339Pro (NM_001042496.2); c.998T>C, p.Leu333Pro (NM_001042497.2); c.890T>C, p.Leu297Pro (NM_005135.2); c.1043T>C, p.Leu348Pro (NM_133647.2); short protein forms L289P, L333P, L339P, L348P, L297P.
Identifiers: ClinVar variation 2743256 (VCV002743256.3), dbSNP rs2509816675, ClinGen allele CA391608886.

ClinVar aggregate classification (germline): Uncertain significance (1 of 4 stars; one submission).

Submission:

Labcorp Genetics (formerly Invitae), Labcorp
Classification: Uncertain significance. Last evaluated: 2023-07-14. Review status: criteria provided, single submitter. Criteria: Invitae Variant Classification Sherloc (09022015). Collection method: clinical testing. Allele origin: germline.
Comment: In summary, the available evidence is currently insufficient to determine the role of this variant in disease. Therefore, it has been classified as a Variant of Uncertain Significance. Advanced modeling of protein sequence and biophysical properties (such as structural, functional, and spatial information, amino acid conservation, physicochemical variation, residue mobility, and thermodynamic stability) performed at Invitae indicates that this missense variant is expected to disrupt SLC12A6 protein function. This variant has not been reported in the literature in individuals affected with SLC12A6-related conditions. This variant is not present in population databases (gnomAD no frequency). This sequence change replaces leucine, which is neutral and non-polar, with proline, which is neutral and non-polar, at codon 348 of the SLC12A6 protein (p.Leu348Pro).